The following is an entry in ClinVar:

ClinVar aggregate classification (germline): Uncertain significance (1 of 4 stars; one submission).

Submission:

Labcorp Genetics (formerly Invitae), Labcorp
Classification: Uncertain significance. Last evaluated: 2022-06-17. Review status: criteria provided, single submitter. Criteria: Invitae Variant Classification Sherloc (09022015). Collection method: clinical testing. Allele origin: germline.
Comment: In summary, the available evidence is currently insufficient to determine the role of this variant in disease. Therefore, it has been classified as a Variant of Uncertain Significance. This variant has not been reported in the literature in individuals affected with KIF11-related conditions. Information on the frequency of this variant in the gnomAD database is not available, as this variant may be reported differently in the database. This sequence change falls in intron 6 of the KIF11 gene. It does not directly change the encoded amino acid sequence of the KIF11 protein.

NM_004523.4(KIF11):c.699-21_699-20delinsAC

Gene: KIF11 (kinesin family member 11; plus strand). Cytogenetic location: 10q23.33.
Variant type: Indel.
Coding change: c.699-21_699-20delinsAC on transcript NM_004523.4 (MANE Select); 21 bases into the intron before coding-DNA position 699 through 20 bases into the intron before coding-DNA position 699, CA replaced by AC.
Molecular consequence: intron variant.
Genome position (GRCh38, 1-based): chr10:92,613,019-92,613,020, CA replaced by AC. VCF-style: chr10-92613019-CA-AC. GRCh37 (hg19) VCF-style: chr10-94372776-CA-AC.
Identifiers: ClinVar variation 2007320 (VCV002007320.4), dbSNP rs2492489323, ClinGen allele CA2580082399.